The following is an entry in ClinVar:

NM_033400.3(ZFHX2):c.1949C>T (p.Pro650Leu)

Genes: THTPA (thiamine triphosphatase; plus strand), ZFHX2 (zinc finger homeobox 2; minus strand). Cytogenetic location: 14q11.2.
Variant type: single nucleotide variant.
Coding change: c.1949C>T on transcript NM_033400.3 (MANE Select); coding-DNA position 1949, C replaced by T.
Protein change: p.Pro650Leu; replaces proline 650 with leucine.
Molecular consequence: missense variant.
Genome position (GRCh38, 1-based): chr14:23,533,377, G>A on the plus strand (C>T on the coding strand, the complement: ZFHX2 is on the minus strand). VCF-style: chr14-23533377-G-A. GRCh37 (hg19) VCF-style: chr14-24002586-G-A.
Other names: short protein forms P650L.
Identifiers: ClinVar variation 2212306 (VCV002212306.6), dbSNP rs186430542, ClinGen allele CA7117094.
Genomic context (GRCh38, chr14:23,533,377, plus strand): 5'-ACGTGGTGGAAACCATTGAGAAGTAGCTGGGCTTCCAGGGGCTTGTCTGGCCTCAGCCCC[G>A]GGCCAGCCAAGGGAGTCTGAGGCTGCCCTAGGGCCTGGGGCCCAAAGTACTGGAAGAGTT-3'
Protein context (NP_207646.2, residues 640-660): LGQPQTPLAG[Pro650Leu]GLRPDKPLEA

ClinVar aggregate classification (germline): Uncertain significance. Review status: criteria provided, multiple submitters, no conflicts (2 of 4 stars). 3 submissions from 3 submitters: Uncertain significance (2). 1 of the submissions does not count toward it. Last evaluated 2025-03-19.

Conditions:
ZFHX2-related disorder. Also called: ZFHX2-related condition.

Allele frequency attached by ClinVar (database versions not stated): 1000 Genomes Project 0.00020; gnomAD exomes 0.00031; gnomAD 0.00056; 1000 Genomes Project 30x 0.00062; TOPMed 0.00076.
gnomAD v4.1: 532 of 1,456,844 alleles (0.037%); highest among the groups gnomAD compares: Admixed American, 0.19%; 2 homozygotes.

Submissions (3):

Women's Health and Genetics/Laboratory Corporation of America, LabCorp
Classification: Uncertain significance. Last evaluated: 2025-03-19. Review status: criteria provided, single submitter. Criteria: LabCorp Variant Classification Summary - May 2015. Collection method: clinical testing. Allele origin: germline.
Comment: Variant summary: ZFHX2 c.1949C>T (p.Pro650Leu) results in a non-conservative amino acid change in the encoded protein sequence. Four of five in-silico tools predict a damaging effect of the variant on protein function. The variant allele was found at a frequency of 0.00042 in 75920 control chromosomes. This frequency is not significantly higher than estimated for a pathogenic variant in ZFHX2 causing Indifference to pain, congenital, autosomal dominant, allowing no conclusion about variant significance. To our knowledge, no occurrence of c.1949C>T in individuals affected with Indifference to pain, congenital, autosomal dominant and no experimental evidence demonstrating its impact on protein function have been reported. ClinVar contains an entry for this variant (Variation ID: 2212306). Based on the evidence outlined above, the variant was classified as uncertain significance.

Ambry Genetics
Classification: Uncertain significance. Last evaluated: 2024-07-05. Review status: criteria provided, single submitter. Criteria: Ambry Variant Classification Scheme 2023. Collection method: clinical testing. Allele origin: germline.

PreventionGenetics, part of Exact Sciences
Classification: Likely benign for ZFHX2-related condition. Last evaluated: 2020-07-27. Review status: no assertion criteria provided. Collection method: clinical testing. Allele origin: germline. Not counted in ClinVar's aggregate classification.
Comment: This variant is classified as likely benign based on ACMG/AMP sequence variant interpretation guidelines (Richards et al. 2015 PMID: 25741868, with internal and published modifications).